The following is an entry in ClinVar:

NM_138694.4(PKHD1):c.4411G>T (p.Glu1471Ter)

Gene: PKHD1 (PKHD1 ciliary IPT domain containing fibrocystin/polyductin; minus strand). Cytogenetic location: 6p12.2.
Variant type: single nucleotide variant.
Coding change: c.4411G>T on transcript NM_138694.4 (MANE Select); coding-DNA position 4411, G replaced by T.
Protein change: p.Glu1471Ter; replaces glutamic acid 1471 with a stop codon.
Molecular consequence: nonsense.
Genome position (GRCh38, 1-based): chr6:52,025,399, C>A on the plus strand (G>T on the coding strand, the complement: PKHD1 is on the minus strand). VCF-style: chr6-52025399-C-A. GRCh37 (hg19) VCF-style: chr6-51890197-C-A.
Other names: c.4411G>T, p.Glu1471Ter (NM_170724.3); c.4411G>T (NM_138694.3); short protein forms E1471*.
Identifiers: ClinVar variation 3593926 (VCV003593926.2).

ClinVar aggregate classification (germline): Likely pathogenic. Review status: criteria provided, multiple submitters, no conflicts (2 of 4 stars). 2 submissions from 2 submitters: Likely pathogenic (2). Last evaluated 2024-12-23.

Conditions:
Polycystic kidney disease 4 (PKD4). Also called: Autosomal Recessive Polycystic Kidney Disease – PKHD1; PKD3; POLYCYSTIC KIDNEY AND HEPATIC DISEASE 1; POLYCYSTIC KIDNEY DISEASE, INFANTILE, TYPE I; POLYCYSTIC KIDNEY DISEASE 4 WITH OR WITHOUT POLYCYSTIC LIVER DISEASE. Identifiers: MedGen C4540575, MONDO:0033004, OMIM 263200.
Autosomal recessive polycystic kidney disease (ARPKD). Also called: AR polycystic kidney disease. Identifiers: Orphanet 731, Orphanet 8378, MedGen C0085548, MeSH D017044, MONDO:0009889.

Submissions (2):

Natera, Inc.
Classification: Likely pathogenic for Autosomal recessive polycystic kidney disease. Last evaluated: 2024-12-23. Review status: criteria provided, single submitter. Criteria: Natera Variant Classification Schema (03/2026). Collection method: clinical testing. Allele origin: germline.
Comment: The c.4411G>T variant in PKHD1 is a nonsense variant predicted to introduce a stop codon at amino acid 1471. This variant is expected to result in nonsense mediated decay, truncation, or a dysfunctional protein product. This variant is rare in the general population with a frequency below the threshold expected for the associated phenotype(s). Given the available evidence, this variant is classified as Likely Pathogenic.

Fulgent Genetics
Classification: Likely pathogenic for Polycystic kidney disease 4. Last evaluated: 2024-03-23. Review status: criteria provided, single submitter. Criteria: ACMG Guidelines, 2015. Collection method: clinical testing. Allele origin: germline.